The following is an entry in ClinVar:

NM_000227.6(LAMA3):c.108del (p.Leu38fs)

Genes: LAMA3 (laminin subunit alpha 3; plus strand), LOC126862707 (MED14-independent group 3 enhancer GRCh37_chr18:21452354-21453553; plus strand). Cytogenetic location: 18q11.2.
Variant type: Deletion.
Coding change: c.108del on transcript NM_000227.6 (MANE Plus Clinical); coding-DNA position 108, one base deleted (A; older notation c.108delA).
Protein change: p.Leu38fs; shifts the reading frame from leucine 38.
Molecular consequence: frameshift variant. On other transcripts: intron variant (2).
Genome position (GRCh38, 1-based): chr18:23,873,152, A deleted. VCF-style (leftmost placement, unchanged base first): chr18-23873151-CA-C. GRCh37 (hg19) VCF-style: chr18-21453115-CA-C.
Other names: c.108del, p.Leu38fs (NM_001127718.4); c.4998+1491del (NM_198129.4, NM_001127717.4); short protein forms L38fs.
Identifiers: ClinVar variation 550430 (VCV000550430.10), dbSNP rs1231716161, ClinGen allele CA658824967.

ClinVar aggregate classification (germline): Pathogenic. Review status: criteria provided, multiple submitters, no conflicts (2 of 4 stars). 3 submissions from 3 submitters: Pathogenic (2). 1 of the submissions does not count toward it. Last evaluated 2024-11-14.

Conditions:
Epidermolysis bullosa, junctional 2B, severe. Also called: EPIDERMOLYSIS BULLOSA, JUNCTIONAL 2B, GENERALIZED SEVERE; EPIDERMOLYSIS BULLOSA, JUNCTIONAL 2B, HERLITZ TYPE. Identifiers: MedGen C5676937, MONDO:0030747, OMIM 619784.
Junctional epidermolysis bullosa gravis of Herlitz. Also called: Herlitz-type junctional epidermolysis bullosa; EPIDERMOLYSIS BULLOSA, JUNCTIONAL 1B, SEVERE; Epidermolysis Bullosa Letalis; EPIDERMOLYSIS BULLOSA JUNCTIONALIS, HERLITZ TYPE; EPIDERMOLYSIS BULLOSA, JUNCTIONAL, HERLITZ-PEARSON TYPE; JEB-HERLITZ TYPE. Identifiers: Orphanet 79404, MedGen C0079683, MONDO:0009182, OMIM 226700.

Allele frequency attached by ClinVar (database versions not stated): gnomAD exomes below 0.00001; TOPMed below 0.00001; gnomAD 0.00001.

Submissions (3):

Victorian Clinical Genetics Services, Murdoch Childrens Research Institute
Classification: Pathogenic for Epidermolysis bullosa, junctional 2B, severe. Last evaluated: 2024-11-14. Review status: criteria provided, single submitter. Criteria: ACMG Guidelines, 2015. Collection method: clinical testing. Allele origin: germline. Affected: no.
Comment: This variant is classified as Pathogenic. Evidence in support of pathogenic classification: Variant is predicted to cause nonsense-mediated decay (NMD) and loss of protein (premature termination codon is located at least 54 nucleotides upstream of the final exon-exon junction); Variant is present in gnomAD <0.01 for a recessive condition (v4: 5 heterozygote(s), 0 homozygote(s)); This variant has limited previous evidence of pathogenicity in unrelated individuals. It has been reported as pathogenic and likely pathogenic by two clinical laboratories (ClinVar); Other NMD-predicted variants comparable to the one identified in this case have very strong previous evidence for pathogenicity (ClinVar). Additional information: This variant is non-coding in an alternative transcript. It is intronic in two other RefSeq transcript, including the MANE Select transcript NM_198129.4; however, tissue specific expression in skin is higher for the MANE Select Plus Clinical transcript NM_000227.6 selected for this analysis (GTEx). In addition, pathogenic and likely pathogenic variants are primarily located within the region overlapping both transcripts (DECIPHER); This variant is heterozygous; This gene is associated with autosomal recessive disease; No published segregation evidence has been identified for this variant; No published functional evidence has been identified for this variant; Loss of function is a known mechanism of disease in this gene and is associated with LAMA3-related conditions. Complete loss of function variants cause more severe disease (epidermolysis bullosa, junctional 2B, severe (MIM#619784), and epidermolysis bullosa, junctional 2C, laryngoonychocutaneous (MIM#245660)), while missense or splicing variants may lead to a milder phenotype (epidermolysis bullosa, junctional 2A, intermediate (MIM#619783)) (PMIDs: 23076207, 20301304).

Labcorp Genetics (formerly Invitae), Labcorp
Classification: Pathogenic. Last evaluated: 2023-05-13. Review status: criteria provided, single submitter. Criteria: Invitae Variant Classification Sherloc (09022015). Collection method: clinical testing. Allele origin: germline.
Comment: For these reasons, this variant has been classified as Pathogenic. ClinVar contains an entry for this variant (Variation ID: 550430). This variant has not been reported in the literature in individuals affected with LAMA3-related conditions. This variant is not present in population databases (gnomAD no frequency). This sequence change creates a premature translational stop signal (p.Leu38Phefs*102) in the LAMA3 gene. It is expected to result in an absent or disrupted protein product. Loss-of-function variants in LAMA3 are known to be pathogenic (PMID: 10366601, 11810295, 12915477, 16473856, 17362460, 22434185, 23869449, 27827380, 28087116).

Counsyl
Classification: Likely pathogenic for Junctional epidermolysis bullosa gravis of Herlitz. Last evaluated: 2017-01-17. Review status: no assertion criteria provided. Collection method: clinical testing. Allele origin: unknown. Not counted in ClinVar's aggregate classification.

Literature cited by the submitters: PubMed 20301304 (cited by Victorian Clinical Genetics Services, Murdoch Childrens Research Institute); PubMed 23076207 (cited by Victorian Clinical Genetics Services, Murdoch Childrens Research Institute); PubMed 10366601 (cited by Labcorp Genetics (formerly Invitae), Labcorp); PubMed 11810295 (cited by Labcorp Genetics (formerly Invitae), Labcorp); PubMed 12915477 (cited by Labcorp Genetics (formerly Invitae), Labcorp); PubMed 16473856 (cited by Labcorp Genetics (formerly Invitae), Labcorp); PubMed 17362460 (cited by Labcorp Genetics (formerly Invitae), Labcorp); PubMed 22434185 (cited by Labcorp Genetics (formerly Invitae), Labcorp); PubMed 23869449 (cited by Labcorp Genetics (formerly Invitae), Labcorp); PubMed 27827380 (cited by Labcorp Genetics (formerly Invitae), Labcorp); PubMed 28087116 (cited by Labcorp Genetics (formerly Invitae), Labcorp).